The following is an entry in ClinVar:

NM_015450.3(POT1):c.711_712delinsAC (p.Ser237_Phe238delinsArgLeu)

Gene: POT1 (protection of telomeres 1; minus strand). Cytogenetic location: 7q31.33.
Variant type: Indel.
Coding change: c.711_712delinsAC on transcript NM_015450.3 (MANE Select); coding-DNA positions 711 to 712, CT replaced by AC.
Protein change: p.Ser237_Phe238delinsArgLeu.
Molecular consequence: missense variant. On other transcripts: non-coding transcript variant (3).
Genome position (GRCh38, 1-based): chr7:124,853,129-124,853,130, AG replaced by GT on the plus strand (CT replaced by AC on the coding strand, the reverse complement: POT1 is on the minus strand). VCF-style: chr7-124853129-AG-GT. GRCh37 (hg19) VCF-style: chr7-124493183-AG-GT.
Other names: c.318_319delinsAC, p.Ser106_Phe107delinsArgLeu (NM_001042594.2).
Identifiers: ClinVar variation 934832 (VCV000934832.10), dbSNP rs1795355784, ClinGen allele CA1139660248.

ClinVar aggregate classification (germline): Uncertain significance (1 of 4 stars; one submission).

Conditions:
Tumor predisposition syndrome 3 (TPDS3). Also called: Glioma susceptibility 9; LONG TELOMERE SYNDROME, POT1-RELATED; POT1 Tumor Predisposition; Melanoma, cutaneous malignant, susceptibility to, 10. Identifiers: Orphanet 618, MedGen C4014476, MONDO:0014368, OMIM 615848.

Submission:

Labcorp Genetics (formerly Invitae), Labcorp
Classification: Uncertain significance for Tumor predisposition syndrome 3. Last evaluated: 2019-09-02. Review status: criteria provided, single submitter. Criteria: Invitae Variant Classification Sherloc (09022015). Collection method: clinical testing. Allele origin: germline.
Comment: This variant has not been reported in the literature in individuals with POT1-related conditions. This variant is not present in population databases (ExAC no frequency). This sequence change deletes 2 nucleotides and inserts 2 different nucleotides in exon 10 of the POT1 mRNA (c.711_712delinsAC). This results in the replacement of 2 adjacent amino acids at codons 237 and 238 with 2 different amino acids (p.Ser237_Phe238delinsArgLeu). In summary, the available evidence is currently insufficient to determine the role of this variant in disease. Therefore, it has been classified as a Variant of Uncertain Significance.